The following is an entry in ClinVar:

ClinVar aggregate classification (germline): Pathogenic/Likely pathogenic. Review status: criteria provided, multiple submitters, no conflicts (2 of 4 stars). 2 submissions from 2 submitters: Pathogenic (1); Likely pathogenic (1). Last evaluated 2021-09-02.

Conditions:
Waardenburg syndrome type 1 (WS1). Also called: WAARDENBURG SYNDROME WITH DYSTOPIA CANTHORUM; Waardenburg Syndrome Type I. Identifiers: Orphanet 894, MedGen C1847800, MONDO:0008670, OMIM 193500.

Submissions (2):

Labcorp Genetics (formerly Invitae), Labcorp
Classification: Pathogenic. Last evaluated: 2021-09-02. Review status: criteria provided, single submitter. Criteria: Invitae Variant Classification Sherloc (09022015). Collection method: clinical testing. Allele origin: germline.
Comment: Disruption of this splice site has been observed in individuals with Waardenburg syndrome (PMID: 9067759, 9232624). It has also been observed to segregate with disease in related individuals. For these reasons, this variant has been classified as Pathogenic. Algorithms developed to predict the effect of sequence changes on RNA splicing suggest that this variant may disrupt the consensus splice site. ClinVar contains an entry for this variant (Variation ID: 547730). This variant is not present in population databases (ExAC no frequency). This sequence change affects an acceptor splice site in intron 1 of the PAX3 gene. It is expected to disrupt RNA splicing. Variants that disrupt the donor or acceptor splice site typically lead to a loss of protein function (PMID: 16199547), and loss-of-function variants in PAX3 are known to be pathogenic (PMID: 20127975, 23512835).

Center for Human Genetics, Inc
Classification: Likely pathogenic for Waardenburg syndrome type 1. Last evaluated: 2016-11-01. Review status: criteria provided, single submitter. Criteria: ACMG Guidelines, 2015. Collection method: clinical testing. Allele origin: germline. Affected: yes.

Literature cited by the submitters: PubMed 9067759 (cited by Labcorp Genetics (formerly Invitae), Labcorp); PubMed 9232624 (cited by Labcorp Genetics (formerly Invitae), Labcorp); PubMed 16199547 (cited by Labcorp Genetics (formerly Invitae), Labcorp); PubMed 20127975 (cited by Labcorp Genetics (formerly Invitae), Labcorp); PubMed 23512835 (cited by Labcorp Genetics (formerly Invitae), Labcorp).

NM_181458.4(PAX3):c.86-2A>G

Gene: PAX3 (paired box 3; minus strand). Cytogenetic location: 2q36.1.
Variant type: single nucleotide variant.
Coding change: c.86-2A>G on transcript NM_181458.4 (MANE Select); the canonical splice acceptor site of the intron before coding-DNA position 86, A replaced by G.
Molecular consequence: splice acceptor variant.
Genome position (GRCh38, 1-based): chr2:222,297,215, T>C on the plus strand (A>G on the coding strand, the complement: PAX3 is on the minus strand). VCF-style: chr2-222297215-T-C. GRCh37 (hg19) VCF-style: chr2-223161934-T-C.
Other names: c.86-2A>G (NM_001127366.3, NM_181460.4, NM_181461.4 and 4 more transcripts).
Identifiers: ClinVar variation 547730 (VCV000547730.7), dbSNP rs1553594069, ClinGen allele CA351113854.